The following is an entry in ClinVar:

ClinVar aggregate classification (germline): Likely pathogenic (1 of 4 stars; one submission).

Conditions:
Biotinidase deficiency. Also called: BTD deficiency; Late-onset biotin-responsive multiple carboxylase deficiency; Biotin deficiency. Identifiers: Orphanet 79241, MedGen C0220754, MONDO:0009665, OMIM 253260.

Submission:

Natera, Inc.
Classification: Likely pathogenic for Biotinidase deficiency. Last evaluated: 2025-07-28. Review status: criteria provided, single submitter. Criteria: Natera Variant Classification Schema (03/2026). Collection method: clinical testing. Allele origin: germline.
Comment: The c.629A>G variant in BTD is a missense variant predicted to cause substitution of tyrosine to cysteine at amino acid 210. This variant is rare in the general population with a frequency below the threshold expected for the associated phenotype(s). This variant has been observed in one or more individuals affected with the associated recessive disease, as either homozygous or compound heterozygous with a second variant (PMID: 9396567, 19757147, 26361991). Additionally, this variant has been observed to segregate in affected family members (PMID: 9396567, 26361991). Computational prediction algorithms indicate this variant is likely to affect gene or protein function. Given the available evidence, this variant is classified as Likely Pathogenic.

Literature cited by the submitters: PubMed 9396567; PubMed 19757147; PubMed 26361991.

NM_000060.4:c.629A>G

Variant type: single nucleotide variant.
Other names: c.629A>G (NM_000060.4).
Identifiers: ClinVar variation 4816034 (VCV004816034.1).